The following is an entry in ClinVar:

NM_000532.5(PCCB):c.53C>G (p.Ala18Gly)

Gene: PCCB (propionyl-CoA carboxylase subunit beta; plus strand). Cytogenetic location: 3q22.3.
Variant type: single nucleotide variant.
Coding change: c.53C>G on transcript NM_000532.5 (MANE Select); coding-DNA position 53, C replaced by G.
Protein change: p.Ala18Gly; replaces alanine 18 with glycine.
Molecular consequence: missense variant.
Genome position (GRCh38, 1-based): chr3:136,250,428, C>G. VCF-style: chr3-136250428-C-G. GRCh37 (hg19) VCF-style: chr3-135969270-C-G.
Other names: c.53C>G, p.Ala18Gly (NM_001178014.2); short protein forms A18G.
Identifiers: ClinVar variation 1450752 (VCV001450752.8), dbSNP rs769481450, ClinGen allele CA354737900.

ClinVar aggregate classification (germline): Uncertain significance (1 of 4 stars; one submission).

Conditions:
Propionic acidemia (PROP). Also called: GLYCINEMIA, KETOTIC; HYPERGLYCINEMIA WITH KETOACIDOSIS AND LEUKOPENIA; KETOTIC HYPERGLYCINEMIA. Identifiers: Orphanet 35, MedGen C0268579, MONDO:0011628, OMIM 606054, HP:0003571.

Submission:

Labcorp Genetics (formerly Invitae), Labcorp
Classification: Uncertain significance for Propionic acidemia. Last evaluated: 2021-05-21. Review status: criteria provided, single submitter. Criteria: Invitae Variant Classification Sherloc (09022015). Collection method: clinical testing. Allele origin: germline.
Comment: In summary, the available evidence is currently insufficient to determine the role of this variant in disease. Therefore, it has been classified as a Variant of Uncertain Significance. Algorithms developed to predict the effect of missense changes on protein structure and function (SIFT, PolyPhen-2, Align-GVGD) all suggest that this variant is likely to be tolerated, but these predictions have not been confirmed by published functional studies and their clinical significance is uncertain. This variant has not been reported in the literature in individuals with PCCB-related conditions. This variant is not present in population databases (ExAC no frequency). This sequence change replaces alanine with glycine at codon 18 of the PCCB protein (p.Ala18Gly). The alanine residue is weakly conserved and there is a small physicochemical difference between alanine and glycine.